The following is an entry in ClinVar:

ClinVar aggregate classification (germline): Likely pathogenic (1 of 4 stars; one submission).

Conditions:
LAMA2-related muscular dystrophy (LAMA2-RD). Also called: Laminin alpha 2-related dystrophy. Identifiers: MedGen C5679788, MONDO:0100228.

Submission:

Labcorp Genetics (formerly Invitae), Labcorp
Classification: Likely pathogenic for LAMA2-related muscular dystrophy. Last evaluated: 2023-07-30. Review status: criteria provided, single submitter. Criteria: Invitae Variant Classification Sherloc (09022015). Collection method: clinical testing. Allele origin: unknown.
Comment: In summary, the currently available evidence indicates that the variant is pathogenic, but additional data are needed to prove that conclusively. Therefore, this variant has been classified as Likely Pathogenic. This variant has not been reported in the literature in individuals affected with LAMA2-related conditions. This variant results in a copy number gain of the genomic region encompassing exon(s) 10-12 of the LAMA2 gene. While the exact position of this variant cannot be determined from the data, sub-genic copy number gains are generally in tandem (PMID: 25640679). This variant is predicted to be out-of-frame, and may result in an absent or disrupted protein product. Loss-of-function variants in LAMA2 are known to be pathogenic (PMID: 18700894, 32904964).

Literature cited by the submitters: PubMed 25640679; PubMed 18700894; PubMed 32904964.

NC_000006.11:g.(?_129498831)_(129514018_?)dup

Gene: LAMA2 (laminin subunit alpha 2; plus strand). Cytogenetic location: 6q22.33.
Variant type: Duplication.
Identifiers: ClinVar variation 3246067 (VCV003246067.1).